The following is an entry in ClinVar:

NM_001122769.3(LCA5):c.1348A>C (p.Asn450His)

Gene: LCA5 (lebercilin LCA5; minus strand). Cytogenetic location: 6q14.1.
Variant type: single nucleotide variant.
Coding change: c.1348A>C on transcript NM_001122769.3 (MANE Select); coding-DNA position 1348, A replaced by C.
Protein change: p.Asn450His; replaces asparagine 450 with histidine.
Molecular consequence: missense variant.
Genome position (GRCh38, 1-based): chr6:79,487,750, T>G on the plus strand (A>C on the coding strand, the complement: LCA5 is on the minus strand). VCF-style: chr6-79487750-T-G. GRCh37 (hg19) VCF-style: chr6-80197467-T-G.
Other names: c.1348A>C, p.Asn450His (NM_181714.4); c.1348A>C (NM_181714.3); short protein forms N450H.
Identifiers: ClinVar variation 2060135 (VCV002060135.2), dbSNP rs749579983, ClinGen allele CA3900839.

ClinVar aggregate classification (germline): Uncertain significance. Review status: criteria provided, multiple submitters, no conflicts (2 of 4 stars). 2 submissions from 2 submitters: Uncertain significance (2). Last evaluated 2025-01-23.

Conditions:
LCA5-related disorder. Also called: LCA5-related condition.

Allele frequency attached by ClinVar (database versions not stated): gnomAD 0.00001; gnomAD exomes 0.00001; TOPMed 0.00001; ExAC 0.00002.
gnomAD v4.1: 10 of 1,613,702 alleles (0.00062%); highest among the groups gnomAD compares: Admixed American, 0.0017%; no homozygotes.

Submissions (2):

PreventionGenetics, part of Exact Sciences
Classification: Uncertain significance for LCA5-related condition. Last evaluated: 2025-01-23. Review status: criteria provided, single submitter. Criteria: ACMG Guidelines, 2015. Collection method: clinical testing. Allele origin: germline.
Comment: The LCA5 c.1348A>C variant is predicted to result in the amino acid substitution p.Asn450His. To our knowledge, this variant has not been reported in the literature. This variant is reported in 0.0033% of alleles in individuals of South Asian descent in gnomAD. At this time, the clinical significance of this variant is uncertain due to the absence of conclusive functional and genetic evidence.

Labcorp Genetics (formerly Invitae), Labcorp
Classification: Uncertain significance. Last evaluated: 2022-05-20. Review status: criteria provided, single submitter. Criteria: Invitae Variant Classification Sherloc (09022015). Collection method: clinical testing. Allele origin: germline.
Comment: This sequence change replaces asparagine, which is neutral and polar, with histidine, which is basic and polar, at codon 450 of the LCA5 protein (p.Asn450His). This variant is present in population databases (rs749579983, gnomAD 0.003%). This variant has not been reported in the literature in individuals affected with LCA5-related conditions. Algorithms developed to predict the effect of missense changes on protein structure and function (SIFT, PolyPhen-2, Align-GVGD) all suggest that this variant is likely to be tolerated. In summary, the available evidence is currently insufficient to determine the role of this variant in disease. Therefore, it has been classified as a Variant of Uncertain Significance.